The following is an entry in ClinVar:

ClinVar aggregate classification (germline): Uncertain significance (1 of 4 stars; one submission).

Allele frequency attached by ClinVar (database versions not stated): ExAC 0.00002; gnomAD exomes below 0.00001; TOPMed 0.00002.

Submission:

Labcorp Genetics (formerly Invitae), Labcorp
Classification: Uncertain significance. Last evaluated: 2025-06-20. Review status: criteria provided, single submitter. Criteria: Invitae Variant Classification Sherloc (09022015). Collection method: clinical testing. Allele origin: germline.
Comment: This sequence change replaces asparagine, which is neutral and polar, with histidine, which is basic and polar, at codon 444 of the MYSM1 protein (p.Asn444His). This variant is present in population databases (rs752260222, gnomAD 0.007%). This variant has not been reported in the literature in individuals affected with MYSM1-related conditions. ClinVar contains an entry for this variant (Variation ID: 2721992). Invitae Evidence Modeling of protein sequence and biophysical properties (such as structural, functional, and spatial information, amino acid conservation, physicochemical variation, residue mobility, and thermodynamic stability) indicates that this missense variant is expected to disrupt MYSM1 protein function with a positive predictive value of 80%. In summary, the available evidence is currently insufficient to determine the role of this variant in disease. Therefore, it has been classified as a Variant of Uncertain Significance.

NM_001085487.3(MYSM1):c.1330A>C (p.Asn444His)

Gene: MYSM1 (Myb like, SWIRM and MPN domains 1; minus strand). Cytogenetic location: 1p32.1.
Variant type: single nucleotide variant.
Coding change: c.1330A>C on transcript NM_001085487.3 (MANE Select); coding-DNA position 1330, A replaced by C.
Protein change: p.Asn444His; replaces asparagine 444 with histidine.
Molecular consequence: missense variant.
Genome position (GRCh38, 1-based): chr1:58,676,986, T>G on the plus strand (A>C on the coding strand, the complement: MYSM1 is on the minus strand). VCF-style: chr1-58676986-T-G. GRCh37 (hg19) VCF-style: chr1-59142658-T-G.
Other names: short protein forms N444H.
Identifiers: ClinVar variation 2721992 (VCV002721992.3), dbSNP rs752260222, ClinGen allele CA877853.
Genomic context (GRCh38, chr1:58,676,986, plus strand): 5'-CACATCCAAAATTGATTGCTCCTATCAATTCGAGGTATGTATGAATCCGTCCAATACAAT[T>G]AACATCTCCACAGTTCTTCAGGCCAGGACGTACTGAGGTCTTATTTAAGTATTTTGGTTT-3'
Protein context (NP_001078956.1, residues 434-454): RPGLKNCGDV[Asn444His]CIGRIHTYLE